The following is an entry in ClinVar:

ClinVar aggregate classification (germline): Likely pathogenic (1 of 4 stars; one submission).

Conditions:
Cerebellar atrophy, visual impairment, and psychomotor retardation;. Also called: Cerebellar atrophy, visual impairment, and psychomotor retardation. Identifiers: MedGen C4225172, MONDO:0014811, OMIM 616875.

Submission:

Victorian Clinical Genetics Services, Murdoch Childrens Research Institute
Classification: Likely pathogenic for Cerebellar atrophy, visual impairment, and psychomotor retardation;. Last evaluated: 2023-12-21. Review status: criteria provided, single submitter. Criteria: ACMG Guidelines, 2015. Collection method: clinical testing. Allele origin: germline. Inheritance: Autosomal dominant inheritance. Affected: yes.
Comment: Based on the classification scheme VCGS_Germline_v1.3.4, this variant is classified as Likely pathogenic. Following criteria are met: 0102 - Loss of function is a known mechanism of disease in this gene and is associated with cerebellar atrophy, visual impairment, and psychomotor retardation (MIM#616875). (I) 0108 - This gene is associated with both recessive and dominant disease. There have been emerging reports for monoallelic inheritance (PMIDs: 26942288, 35234901). (I) 0115 - Variants in this gene are known to have variable expressivity. Some features are different among probands, and the severity may also vary (PMIDs: 26942288, 35234901). (I) 0200 - Variant is predicted to result in a missense amino acid change glycine to glutamic acid. (I) 0251 - This variant is heterozygous. (I) 0301 - Variant is absent from gnomAD (both v2 and v3). (SP) 0503 - Missense variant consistently predicted to be tolerated by multiple in silico tools or not conserved in placental mammals with a minor amino acid change. (SB) 0604 - Variant is not located in an established domain, motif, hotspot or informative constraint region. (I) 0704 - Another missense variant comparable to the one identified in this case has limited previous evidence for pathogenicity. A change to arginine has been reported de novo in an individual with global developmental delay, hypotonia, scoliosis, and cerebellar atrophy (PMID: 26942288). In vitro studies in knockdown Xenopus have showed this variant was able to rescue phenotype, but to a lesser extent compared to wild-type, and authors suggest this may be a mild allele (PMID: 31904590). (SP) 0807 - This variant has no previous evidence of pathogenicity. (I) 0905 - No published segregation evidence has been identified for this variant. (I) 1007 - No published functional evidence has been identified for this variant. (SP) Legend: (SP) - Supporting pathogenic, (I) - Information, (SB) - Supporting benign

Literature cited by the submitters: PubMed 26942288; PubMed 31904590; PubMed 35234901.

NM_015047.3(EMC1):c.1412G>A (p.Gly471Glu)

Genes: EMC1 (ER membrane protein complex subunit 1; minus strand), EMC1-AS1 (EMC1 antisense RNA 1; plus strand). Cytogenetic location: 1p36.13.
Variant type: single nucleotide variant.
Coding change: c.1412G>A on transcript NM_015047.3 (MANE Select); coding-DNA position 1412, G replaced by A.
Protein change: p.Gly471Glu; replaces glycine 471 with glutamic acid.
Molecular consequence: missense variant.
Genome position (GRCh38, 1-based): chr1:19,235,150, C>T on the plus strand (G>A on the coding strand, the complement: EMC1 is on the minus strand). VCF-style: chr1-19235150-C-T. GRCh37 (hg19) VCF-style: chr1-19561644-C-T.
Other names: c.1409G>A, p.Gly470Glu (NM_001271427.2, NM_001271428.2, NM_001375821.1); c.1346G>A, p.Gly449Glu (NM_001271429.2); c.1412G>A, p.Gly471Glu (NM_001375820.1); short protein forms G449E, G470E, G471E.
Identifiers: ClinVar variation 3376739 (VCV003376739.1).